The following is an entry in ClinVar:

NM_006158.5(NEFL):c.1407G>A (p.Glu469=)

Gene: NEFL (neurofilament light chain; minus strand). Cytogenetic location: 8p21.2.
Variant type: single nucleotide variant.
Coding change: c.1407G>A on transcript NM_006158.5 (MANE Select); coding-DNA position 1407, G replaced by A.
Protein change: p.Glu469=; no amino-acid change (glutamic acid 469 retained).
Molecular consequence: synonymous variant.
Genome position (GRCh38, 1-based): chr8:24,953,558, C>T on the plus strand (G>A on the coding strand, the complement: NEFL is on the minus strand). VCF-style: chr8-24953558-C-T. GRCh37 (hg19) VCF-style: chr8-24811072-C-T.
Identifiers: ClinVar variation 215429 (VCV000215429.23), dbSNP rs543609297, ClinGen allele CA336324.

ClinVar aggregate classification (germline): Benign/Likely benign. Review status: criteria provided, multiple submitters, no conflicts (2 of 4 stars). 8 submissions from 8 submitters: Benign (7); Likely benign (1). Last evaluated 2026-01-27.

Conditions:
Inborn genetic diseases. Identifiers: MedGen C0950123, MeSH D030342.
Charcot-Marie-Tooth disease type 2E (CMT2E). Also called: CHARCOT-MARIE-TOOTH DISEASE, AXONAL, TYPE 2E; CHARCOT-MARIE-TOOTH NEUROPATHY, TYPE 2E. Identifiers: Orphanet 99939, MedGen C1843225, MONDO:0011894, OMIM 607684.
Charcot-Marie-Tooth disease type 1F. Also called: CHARCOT-MARIE-TOOTH NEUROPATHY, TYPE 1F; Charcot-Marie-Tooth disease, demyelinating, type 1f. Identifiers: Orphanet 101085, MedGen C1843164, MONDO:0011902, OMIM 607734.
Charcot-Marie-Tooth disease. Also called: Charcot-Marie-Tooth Neuropathy; Charcot-Marie-Tooth Hereditary Neuropathy. Identifiers: Orphanet 166, MedGen C0007959, MONDO:0015626.

Allele frequency attached by ClinVar (database versions not stated): gnomAD exomes 0.00065 and 0.00172; ExAC 0.00197; 1000 Genomes Project 30x 0.00562; 1000 Genomes Project 0.00579; gnomAD 0.00723 and 0.00777; TOPMed 0.00827.

Submissions (8):

Labcorp Genetics (formerly Invitae), Labcorp
Classification: Benign for Charcot-Marie-Tooth disease type 2E. Last evaluated: 2026-01-27. Review status: criteria provided, single submitter. Criteria: Invitae Variant Classification Sherloc (09022015). Collection method: clinical testing. Allele origin: germline.

Athena Diagnostics
Classification: Benign. Last evaluated: 2025-07-18. Review status: criteria provided, single submitter. Criteria: Athena Diagnostics Criteria. Collection method: clinical testing. Allele origin: unknown.
Comment: The frequency of this variant in the general population is higher than would generally be expected for pathogenic variants in this gene. Computational tools yielded predictions that this variant is unlikely to have an effect on normal RNA splicing. This variant has been seen where an alternate explanation for disease was also identified.

Ambry Genetics
Classification: Likely benign for Inborn genetic diseases. Last evaluated: 2019-07-11. Review status: criteria provided, single submitter. Criteria: Ambry Variant Classification Scheme 2023. Collection method: clinical testing. Allele origin: germline.

Illumina Laboratory Services, Illumina
Classification: Benign for Charcot-Marie-Tooth disease type 1F. Last evaluated: 2018-01-12. Review status: criteria provided, single submitter. Criteria: ICSL Variant Classification Criteria 13 December 2019. Collection method: clinical testing. Allele origin: germline.
Comment: This variant was observed in the ICSL laboratory as part of a predisposition screen in an ostensibly healthy population. It had not been previously curated by ICSL or reported in the Human Gene Mutation Database (HGMD: prior to June 1st, 2018), and was therefore a candidate for classification through an automated scoring system. Utilizing variant allele frequency, disease prevalence and penetrance estimates, and inheritance mode, an automated score was calculated to assess if this variant is too frequent to cause the disease. Based on the score and internal cut-off values, a variant classified as benign is not then subjected to further curation. The score for this variant resulted in a classification of benign for this disease.

GeneDx
Classification: Benign. Last evaluated: 2016-03-10. Review status: criteria provided, single submitter. Criteria: GeneDx Variant Classification (06012015). Collection method: clinical testing. Allele origin: germline. Affected: yes.
Comment: This variant is considered likely benign or benign based on one or more of the following criteria: it is a conservative change, it occurs at a poorly conserved position in the protein, it is predicted to be benign by multiple in silico algorithms, and/or has population frequency not consistent with disease.

Eurofins Ntd Llc (ga)
Classification: Benign. Last evaluated: 2015-11-18. Review status: criteria provided, single submitter. Criteria: EGL Classification Definitions 2015. Collection method: clinical testing. Allele origin: germline. Observed: 1 variant allele, 1 heterozygote.

Breakthrough Genomics
Classification: Benign. Review status: criteria provided, single submitter. Criteria: ACMG Guidelines, 2015. Collection method: not provided. Allele origin: germline. Inheritance: Autosomal recessive inheritance. Affected: yes.

Molecular Genetics Laboratory, London Health Sciences Centre
Classification: Benign for Charcot-Marie-Tooth disease. Review status: criteria provided, single submitter. Criteria: ACMG Guidelines, 2015. Collection method: clinical testing. Allele origin: germline. Affected: yes.